The following is an entry in ClinVar:

NM_006767.4(LZTR1):c.1786-14C>G

Gene: LZTR1 (leucine zipper like post translational regulator 1; plus strand). Cytogenetic location: 22q11.21.
Variant type: single nucleotide variant.
Coding change: c.1786-14C>G on transcript NM_006767.4 (MANE Select); 14 bases into the intron before coding-DNA position 1786, C replaced by G.
Molecular consequence: intron variant.
Genome position (GRCh38, 1-based): chr22:20,994,856, C>G. VCF-style: chr22-20994856-C-G. GRCh37 (hg19) VCF-style: chr22-21349145-C-G.
Identifiers: ClinVar variation 3238132 (VCV003238132.3), dbSNP rs747710478.

ClinVar aggregate classification (germline): Conflicting classifications of pathogenicity. Review status: criteria provided, conflicting classifications (1 of 4 stars). 2 submissions from 2 submitters: Uncertain significance (1); Likely benign (1). Last evaluated 2024-08-31.

Conditions:
Hereditary cancer-predisposing syndrome. Also called: Neoplastic Syndromes, Hereditary; Tumor predisposition; Hereditary neoplastic syndrome; Hereditary Cancer Syndrome. Identifiers: Orphanet 140162, MedGen C0027672, MeSH D009386, MONDO:0015356.
Cardiovascular phenotype. Identifiers: MedGen CN230736.

Allele frequency attached by ClinVar (database versions not stated): gnomAD exomes below 0.00001; ExAC 0.00001.
gnomAD v4.1: 1 of 1,612,586 alleles (0.000062%); highest among the groups gnomAD compares: Non-Finnish European, 0.000085%; no homozygotes.

Submissions (2):

Labcorp Genetics (formerly Invitae), Labcorp
Classification: Likely benign. Last evaluated: 2024-08-31. Review status: criteria provided, single submitter. Criteria: Invitae Variant Classification Sherloc (09022015). Collection method: clinical testing. Allele origin: germline.

Ambry Genetics
Classification: Uncertain significance for Cardiovascular phenotype; Hereditary cancer-predisposing syndrome. Last evaluated: 2023-10-25. Review status: criteria provided, single submitter. Criteria: Ambry Variant Classification Scheme 2023. Collection method: clinical testing. Allele origin: germline.
Comment: The c.1786-14C>G intronic variant results from a C to G substitution 14 nucleotides upstream from coding exon 16 in the LZTR1 gene. In silico splice site analysis predicts that this alteration will not have any significant effect on splicing. However, RNA studies have demonstrated that this alteration results in a splice defect; the clinical impact of this abnormal splicing is unknown at this time (Ambry internal data). Since supporting evidence is limited at this time, the clinical significance of this alteration remains unclear.